The following is an entry in ClinVar:

ClinVar aggregate classification (germline): Uncertain significance (1 of 4 stars; one submission).

Conditions:
Ehlers-Danlos syndrome, spondylodysplastic type, 3. Also called: Ehlers-Danlos syndrome, spondylocheirodysplastic type. Identifiers: Orphanet 157965, MedGen C2676510, MONDO:0012873, OMIM 612350.

Submission:

Labcorp Genetics (formerly Invitae), Labcorp
Classification: Uncertain significance for Ehlers-Danlos syndrome, spondylodysplastic type, 3. Last evaluated: 2022-05-16. Review status: criteria provided, single submitter. Criteria: Invitae Variant Classification Sherloc (09022015). Collection method: clinical testing. Allele origin: germline.
Comment: This variant, c.500_502del, results in the deletion of 1 amino acid(s) of the SLC39A13 protein (p.Lys167del), but otherwise preserves the integrity of the reading frame. This variant is present in population databases (rs763342021, gnomAD 0.007%). This variant has not been reported in the literature in individuals affected with SLC39A13-related conditions. Experimental studies and prediction algorithms are not available or were not evaluated, and the functional significance of this variant is currently unknown. In summary, the available evidence is currently insufficient to determine the role of this variant in disease. Therefore, it has been classified as a Variant of Uncertain Significance.

NM_001128225.3(SLC39A13):c.497AGA[1] (p.Lys167del)

Gene: SLC39A13 (solute carrier family 39 member 13; plus strand). Cytogenetic location: 11p11.2.
Variant type: Microsatellite.
Coding change: c.497AGA[1] on transcript NM_001128225.3 (MANE Select); one copy of the 3-base unit AGA starting at c.497; the reference has two copies in a row; one copy, 3 bases deleted.
Protein change: p.Lys167del; deletes lysine 167.
Molecular consequence: inframe deletion. On other transcripts: non-coding transcript variant (1).
Genome position (GRCh38, 1-based): chr11:47,412,430-47,412,432, AGA deleted; deleting any 3 consecutive bases within chr11:47,412,427-47,412,432 gives the same sequence; the position shown is the placement nearest the transcript's 3' end. VCF-style (leftmost placement, unchanged base first): chr11-47412426-GAGA-G. GRCh37 (hg19) VCF-style: chr11-47433977-GAGA-G.
Other names: c.497AGA[1], p.Lys167del (NM_001330245.2, NM_152264.5); short protein forms K167del.
Identifiers: ClinVar variation 2413498 (VCV002413498.6), dbSNP rs763342021, ClinGen allele CA5975800.